The following is an entry in ClinVar:

ClinVar aggregate classification (germline): Likely benign (0 of 4 stars; one submission).

Submission:

Leiden Open Variation Database
Classification: Likely benign. Last evaluated: 2012-08-31. Review status: no assertion criteria provided. Collection method: curation. Allele origin: germline. Affected: yes.
Comment: Curator: Arleen D. Auerbach. Submitter to LOVD: Janine Bakker.

Literature cited by the submitters: PubMed 22911665.

NM_032444.4(SLX4):c.4637-210A>G

Gene: SLX4 (SLX4 structure-specific endonuclease subunit; minus strand). Cytogenetic location: 16p13.3.
Variant type: single nucleotide variant.
Coding change: c.4637-210A>G on transcript NM_032444.4 (MANE Select); 210 bases into the intron before coding-DNA position 4637, A replaced by G.
Molecular consequence: intron variant.
Genome position (GRCh38, 1-based): chr16:3,585,081, T>C on the plus strand (A>G on the coding strand, the complement: SLX4 is on the minus strand). VCF-style: chr16-3585081-T-C. GRCh37 (hg19) VCF-style: chr16-3635082-T-C.
Identifiers: ClinVar variation 929610 (VCV000929610.1), dbSNP rs2040492620, ClinGen allele CA1139664448.